The following is an entry in ClinVar:

ClinVar aggregate classification (germline): Conflicting classifications of pathogenicity. Review status: criteria provided, conflicting classifications (1 of 4 stars). 5 submissions from 5 submitters: Uncertain significance (4); Likely benign (1). Last evaluated 2025-10-04.

Conditions:
Inborn genetic diseases. Identifiers: MedGen C0950123, MeSH D030342.
SAMD9-related disorder. Also called: SAMD9-related condition.

Allele frequency attached by ClinVar (database versions not stated): ExAC 0.00001; gnomAD 0.00001; gnomAD exomes 0.00001 and 0.00002; TOPMed 0.00002.

Submissions (5):

Labcorp Genetics (formerly Invitae), Labcorp
Classification: Uncertain significance. Last evaluated: 2025-10-04. Review status: criteria provided, single submitter. Criteria: Invitae Variant Classification Sherloc (09022015). Collection method: clinical testing. Allele origin: germline.
Comment: This sequence change replaces asparagine, which is neutral and polar, with serine, which is neutral and polar, at codon 254 of the SAMD9 protein (p.Asn254Ser). This variant is present in population databases (rs536634385, gnomAD 0.008%). This variant has not been reported in the literature in individuals affected with SAMD9-related conditions. ClinVar contains an entry for this variant (Variation ID: 1337392). Invitae Evidence Modeling of protein sequence and biophysical properties (such as structural, functional, and spatial information, amino acid conservation, physicochemical variation, residue mobility, and thermodynamic stability) indicates that this missense variant is not expected to disrupt SAMD9 protein function with a negative predictive value of 95%. In summary, the available evidence is currently insufficient to determine the role of this variant in disease. Therefore, it has been classified as a Variant of Uncertain Significance.

PreventionGenetics, part of Exact Sciences
Classification: Uncertain significance for SAMD9-related condition. Last evaluated: 2025-02-06. Review status: criteria provided, single submitter. Criteria: ACMG Guidelines, 2015. Collection method: clinical testing. Allele origin: germline.
Comment: The SAMD9 c.761A>G variant is predicted to result in the amino acid substitution p.Asn254Ser. To our knowledge, this variant has not been reported in the literature. This variant is reported in 0.012% of alleles in individuals of African descent in gnomAD. At this time, the clinical significance of this variant is uncertain due to the absence of conclusive functional and genetic evidence.

Ambry Genetics
Classification: Likely benign for Inborn genetic diseases. Last evaluated: 2024-12-01. Review status: criteria provided, single submitter. Criteria: Ambry Variant Classification Scheme 2023. Collection method: clinical testing. Allele origin: germline.

GeneDx
Classification: Uncertain significance. Last evaluated: 2023-01-25. Review status: criteria provided, single submitter. Criteria: GeneDx Variant Classification Process June 2021. Collection method: clinical testing. Allele origin: germline. Affected: yes.
Comment: Not observed at significant frequency in large population cohorts (gnomAD); In silico analysis supports that this missense variant does not alter protein structure/function; Has not been previously published as pathogenic or benign to our knowledge; This variant is associated with the following publications: (PMID: 28545555)

Genetic Services Laboratory, University of Chicago
Classification: Uncertain significance. Last evaluated: 2019-10-11. Review status: criteria provided, single submitter. Criteria: ACMG Guidelines, 2015. Collection method: clinical testing. Allele origin: germline. Affected: no.

NM_017654.4(SAMD9):c.761A>G (p.Asn254Ser)

Gene: SAMD9 (sterile alpha motif domain containing 9; minus strand). Cytogenetic location: 7q21.2.
Variant type: single nucleotide variant.
Coding change: c.761A>G on transcript NM_017654.4 (MANE Select); coding-DNA position 761, A replaced by G.
Protein change: p.Asn254Ser; replaces asparagine 254 with serine.
Molecular consequence: missense variant.
Genome position (GRCh38, 1-based): chr7:93,105,337, T>C on the plus strand (A>G on the coding strand, the complement: SAMD9 is on the minus strand). VCF-style: chr7-93105337-T-C. GRCh37 (hg19) VCF-style: chr7-92734650-T-C.
Other names: c.761A>G, p.Asn254Ser (NM_001193307.2); short protein forms N254S.
Identifiers: ClinVar variation 1337392 (VCV001337392.11), dbSNP rs536634385, ClinGen allele CA4343080.